The following is an entry in ClinVar:

NM_001378969.1(KCND3):c.1419G>C (p.Glu473Asp)

Gene: KCND3 (potassium voltage-gated channel subfamily D member 3; minus strand). Cytogenetic location: 1p13.2.
Variant type: single nucleotide variant.
Coding change: c.1419G>C on transcript NM_001378969.1 (MANE Select); coding-DNA position 1419, G replaced by C.
Protein change: p.Glu473Asp; replaces glutamic acid 473 with aspartic acid.
Molecular consequence: missense variant.
Genome position (GRCh38, 1-based): chr1:111,780,267, C>G on the plus strand (G>C on the coding strand, the complement: KCND3 is on the minus strand). VCF-style: chr1-111780267-C-G. GRCh37 (hg19) VCF-style: chr1-112322889-C-G.
Other names: c.1419G>C, p.Glu473Asp (NM_001378970.1, NM_004980.5, NM_172198.3); short protein forms E473D.
Identifiers: ClinVar variation 3224540 (VCV003224540.2), dbSNP rs1362159831, ClinGen allele CA341658662.

ClinVar aggregate classification (germline): Uncertain significance. Review status: criteria provided, multiple submitters, no conflicts (2 of 4 stars). 2 submissions from 2 submitters: Uncertain significance (2). Last evaluated 2025-07-02.

Conditions:
Spinocerebellar ataxia type 19/22 (SCA19). Also called: SPINOCEREBELLAR ATAXIA 19; SPINOCEREBELLAR ATAXIA 22. Identifiers: Orphanet 98772, MedGen C1846367, MONDO:0011819, OMIM 607346.
Cardiovascular phenotype. Identifiers: MedGen CN230736.

Allele frequency attached by ClinVar (database versions not stated): TOPMed below 0.00001; gnomAD 0.00001.
gnomAD v4.1: 7 of 1,588,542 alleles (0.00044%); highest among the groups gnomAD compares: African/African-American, 0.0027%; no homozygotes.

Submissions (2):

Labcorp Genetics (formerly Invitae), Labcorp
Classification: Uncertain significance for Spinocerebellar ataxia type 19/22. Last evaluated: 2025-07-02. Review status: criteria provided, single submitter. Criteria: Invitae Variant Classification Sherloc (09022015). Collection method: clinical testing. Allele origin: germline.
Comment: This sequence change replaces glutamic acid, which is acidic and polar, with aspartic acid, which is acidic and polar, at codon 473 of the KCND3 protein (p.Glu473Asp). The frequency data for this variant in the population databases is considered unreliable, as metrics indicate poor data quality at this position in the gnomAD database. This variant has not been reported in the literature in individuals affected with KCND3-related conditions. ClinVar contains an entry for this variant (Variation ID: 3224540). Invitae Evidence Modeling of protein sequence and biophysical properties (such as structural, functional, and spatial information, amino acid conservation, physicochemical variation, residue mobility, and thermodynamic stability) indicates that this missense variant is not expected to disrupt KCND3 protein function with a negative predictive value of 95%. In summary, the available evidence is currently insufficient to determine the role of this variant in disease. Therefore, it has been classified as a Variant of Uncertain Significance.

Ambry Genetics
Classification: Uncertain significance for Cardiovascular phenotype. Last evaluated: 2023-10-04. Review status: criteria provided, single submitter. Criteria: Ambry Variant Classification Scheme 2023. Collection method: clinical testing. Allele origin: germline.
Comment: The p.E473D variant (also known as c.1419G>C), located in coding exon 4 of the KCND3 gene, results from a G to C substitution at nucleotide position 1419. The glutamic acid at codon 473 is replaced by aspartic acid, an amino acid with highly similar properties. This amino acid position is highly conserved in available vertebrate species. In addition, the in silico prediction for this alteration is inconclusive. Since supporting evidence is limited at this time, the clinical significance of this alteration remains unclear.